The following is an entry in ClinVar:

NM_004859.4(CLTC):c.4612A>G (p.Met1538Val)

Gene: CLTC (clathrin heavy chain; plus strand). Cytogenetic location: 17q23.1.
Variant type: single nucleotide variant.
Coding change: c.4612A>G on transcript NM_004859.4 (MANE Select); coding-DNA position 4612, A replaced by G.
Protein change: p.Met1538Val; replaces methionine 1538 with valine.
Molecular consequence: missense variant.
Genome position (GRCh38, 1-based): chr17:59,685,593, A>G. VCF-style: chr17-59685593-A-G. GRCh37 (hg19) VCF-style: chr17-57762954-A-G.
Other names: c.4624A>G, p.Met1542Val (NM_001288653.2); short protein forms M1542V, M1538V.
Identifiers: ClinVar variation 3682902 (VCV003682902.2).
Genomic context (GRCh38, chr17:59,685,593, plus strand): 5'-CTAGTTCAGTATGTGGGGTCTAATGTTTTTGACTTTCACTATTTCTTTGAATAGGATGCA[A>G]TGCAGTATGCTTCTGAATCTAAAGATACTGAATTGGCTGAAGAACTCCTGCAGTGGTTTT-3'
Protein context (NP_004850.1, residues 1528-1548): CKKDSLYKDA[Met1538Val]QYASESKDTE

ClinVar aggregate classification (germline): Uncertain significance (1 of 4 stars; one submission).

Submission:

Labcorp Genetics (formerly Invitae), Labcorp
Classification: Uncertain significance. Last evaluated: 2024-06-21. Review status: criteria provided, single submitter. Criteria: Invitae Variant Classification Sherloc (09022015). Collection method: clinical testing. Allele origin: germline.
Comment: This sequence change replaces methionine, which is neutral and non-polar, with valine, which is neutral and non-polar, at codon 1542 of the CLTC protein (p.Met1542Val). This variant is present in population databases (rs769254559, gnomAD 0.003%). This variant has not been reported in the literature in individuals affected with CLTC-related conditions. Advanced modeling of protein sequence and biophysical properties (such as structural, functional, and spatial information, amino acid conservation, physicochemical variation, residue mobility, and thermodynamic stability) performed at Invitae indicates that this missense variant is not expected to disrupt CLTC protein function with a negative predictive value of 80%. In summary, the available evidence is currently insufficient to determine the role of this variant in disease. Therefore, it has been classified as a Variant of Uncertain Significance.